The following is an entry in ClinVar:

NM_002299.4(LCT):c.1291G>A (p.Asp431Asn)

Genes: LCT (lactase; minus strand), LOC126806353 (BRD4-independent group 4 enhancer GRCh37_chr2:136574960-136576159; plus strand). Cytogenetic location: 2q21.3.
Variant type: single nucleotide variant.
Coding change: c.1291G>A on transcript NM_002299.4 (MANE Select); coding-DNA position 1291, G replaced by A.
Protein change: p.Asp431Asn; replaces aspartic acid 431 with asparagine.
Molecular consequence: missense variant.
Genome position (GRCh38, 1-based): chr2:135,817,757, C>T on the plus strand (G>A on the coding strand, the complement: LCT is on the minus strand). VCF-style: chr2-135817757-C-T. GRCh37 (hg19) VCF-style: chr2-136575327-C-T.
Other names: short protein forms D431N.
Identifiers: ClinVar variation 1918552 (VCV001918552.5), dbSNP rs754851412, ClinGen allele CA1888411.
Genomic context (GRCh38, chr2:135,817,757, plus strand): 5'-ACACCTGAGCCCGGAGGCCGCAAAGCAGGGCGACGTCAGAGGCTACCTTGTGGTAACTGT[C>T]GCTGGCCACCTCCAGCGTCGCTTGGCCCTCAGTGGTGTTCAGGGGCCTGCGTGGATCCCA-3'
Protein context (NP_002290.2, residues 421-441): EGQATLEVAS[Asp431Asn]SYHKVASDVA

ClinVar aggregate classification (germline): Uncertain significance (1 of 4 stars; one submission).

Allele frequency attached by ClinVar (database versions not stated): gnomAD 0.00001; gnomAD exomes 0.00001; TOPMed 0.00001; ExAC 0.00002.
gnomAD v4.1: 12 of 1,613,866 alleles (0.00074%); highest among the groups gnomAD compares: African/African-American, 0.0013%; no homozygotes.

Submission:

Labcorp Genetics (formerly Invitae), Labcorp
Classification: Uncertain significance. Last evaluated: 2025-09-05. Review status: criteria provided, single submitter. Criteria: Invitae Variant Classification Sherloc (09022015). Collection method: clinical testing. Allele origin: germline.
Comment: This sequence change replaces aspartic acid, which is acidic and polar, with asparagine, which is neutral and polar, at codon 431 of the LCT protein (p.Asp431Asn). This variant is present in population databases (rs754851412, gnomAD 0.002%). This variant has not been reported in the literature in individuals affected with LCT-related conditions. ClinVar contains an entry for this variant (Variation ID: 1918552). An algorithm developed to predict the effect of missense changes on protein structure and function outputs the following: PolyPhen-2: "Possibly Damaging". The asparagine amino acid residue is found in multiple mammalian species, which suggests that this missense change does not adversely affect protein function. In summary, the available evidence is currently insufficient to determine the role of this variant in disease. Therefore, it has been classified as a Variant of Uncertain Significance.